The following is an entry in ClinVar:

NM_001386140.1(MTTP):c.2351_2352del (p.Val784fs)

Gene: MTTP (microsomal triglyceride transfer protein; plus strand). Cytogenetic location: 4q23.
Variant type: Microsatellite.
Coding change: c.2351_2352del on transcript NM_001386140.1 (MANE Select); coding-DNA positions 2351 to 2352, 2 bases deleted (TG; older notation c.2351_2352delTG).
Protein change: p.Val784fs; shifts the reading frame from valine 784.
Molecular consequence: frameshift variant.
Genome position (GRCh38, 1-based): chr4:99,621,069-99,621,070, TG deleted; deleting any 2 consecutive bases within chr4:99,621,067-99,621,070 gives the same sequence; the c. name uses the placement nearest the transcript's 3' end. VCF-style (leftmost placement, unchanged base first): chr4-99621066-CTG-C. GRCh37 (hg19) VCF-style: chr4-100542223-CTG-C.
Other names: c.2351_2352del (NM_000253.3); c.2351_2352del, p.Val784fs (NM_000253.4); c.2102_2103del, p.Val701fs (NM_001300785.2); short protein forms V701fs, V784fs.
Identifiers: ClinVar variation 2871245 (VCV002871245.4), dbSNP rs2476161600, ClinGen allele CA2739270182.
Genomic context (GRCh38, chr4:99,621,066, plus strand): 5'-CAATACCATTAAATATAATATGAACAAGTTTTTTCTTTTTTTCTCAAATGTTTAGGGTGA[CTG>C]TGGTAATAACCACTGACATCACAGTGGACTCCTCTTTTGTGAAAGCTGGCCTGGAAACCA-3'

ClinVar aggregate classification (germline): Pathogenic/Likely pathogenic. Review status: criteria provided, multiple submitters, no conflicts (2 of 4 stars). 2 submissions from 2 submitters: Pathogenic (1); Likely pathogenic (1). Last evaluated 2025-12-01.

Conditions:
Abetalipoproteinaemia (ABL). Also called: MTP DEFICIENCY; Abetalipoproteinemia; Abetalipoproteinemia neuropathy; Apolipoprotein B deficiency; Congenital betalipoprotein deficiency syndrome. Identifiers: Orphanet 14, MedGen C0000744, MONDO:0008692, OMIM 200100, HP:0008181.

Submissions (2):

Natera, Inc.
Classification: Likely pathogenic for Abetalipoproteinemia. Last evaluated: 2025-12-01. Review status: criteria provided, single submitter. Criteria: Natera Variant Classification Schema (03/2026). Collection method: clinical testing. Allele origin: germline.
Comment: The c.2351_2352del variant in MTTP is a frameshift variant predicted to shift the reading frame beginning at codon 784 and leads to a stop codon 5 codons downstream. This variant is expected to result in nonsense mediated decay, truncation, or a dysfunctional protein product. This variant is rare in the general population with a frequency below the threshold expected for the associated phenotype(s). Given the available evidence, this variant is classified as Likely Pathogenic.

Labcorp Genetics (formerly Invitae), Labcorp
Classification: Pathogenic. Last evaluated: 2023-02-03. Review status: criteria provided, single submitter. Criteria: Invitae Variant Classification Sherloc (09022015). Collection method: clinical testing. Allele origin: germline.
Comment: This sequence change creates a premature translational stop signal (p.Val784Glyfs*5) in the MTTP gene. It is expected to result in an absent or disrupted protein product. Loss-of-function variants in MTTP are known to be pathogenic (PMID: 8533758, 9671739). This variant is not present in population databases (gnomAD no frequency). This variant has not been reported in the literature in individuals affected with MTTP-related conditions. For these reasons, this variant has been classified as Pathogenic.

Literature cited by the submitters: PubMed 8533758 (cited by Labcorp Genetics (formerly Invitae), Labcorp); PubMed 9671739 (cited by Labcorp Genetics (formerly Invitae), Labcorp).